The following is an entry in ClinVar:

ClinVar aggregate classification (germline): Uncertain significance (1 of 4 stars; one submission).

gnomAD v4.1: 1 of 1,612,732 alleles (0.000062%); highest among the groups gnomAD compares: African/African-American, 0.0013%; no homozygotes.

Submission:

Labcorp Genetics (formerly Invitae), Labcorp
Classification: Uncertain significance. Last evaluated: 2023-08-16. Review status: criteria provided, single submitter. Criteria: Invitae Variant Classification Sherloc (09022015). Collection method: clinical testing. Allele origin: germline.
Comment: In summary, the available evidence is currently insufficient to determine the role of this variant in disease. Therefore, it has been classified as a Variant of Uncertain Significance. An algorithm developed to predict the effect of missense changes on protein structure and function (PolyPhen-2) suggests that this variant is likely to be tolerated. This variant has not been reported in the literature in individuals affected with CD81-related conditions. This variant is not present in population databases (gnomAD no frequency). This sequence change replaces alanine, which is neutral and non-polar, with glycine, which is neutral and non-polar, at codon 32 of the CD81 protein (p.Ala32Gly).

NM_004356.4(CD81):c.95C>G (p.Ala32Gly)

Gene: CD81 (CD81 molecule; plus strand). Cytogenetic location: 11p15.5.
Variant type: single nucleotide variant.
Coding change: c.95C>G on transcript NM_004356.4 (MANE Select); coding-DNA position 95, C replaced by G.
Protein change: p.Ala32Gly; replaces alanine 32 with glycine.
Molecular consequence: missense variant. On other transcripts: 5 prime UTR variant (1).
Genome position (GRCh38, 1-based): chr11:2,390,440, C>G. VCF-style: chr11-2390440-C-G. GRCh37 (hg19) VCF-style: chr11-2411670-C-G.
Other names: c.-119C>G (NM_001297649.2, NM_001425129.1, NM_001425131.1 and 3 more transcripts); c.-115C>G (NM_001425130.1); c.95C>G, p.Ala32Gly (NM_001425135.1, NM_001425137.1); short protein forms A32G.
Identifiers: ClinVar variation 2995550 (VCV002995550.3), dbSNP rs967772801, ClinGen allele CA216289247.